The following is an entry in ClinVar:

ClinVar aggregate classification (germline): Uncertain significance. Review status: criteria provided, multiple submitters, no conflicts (2 of 4 stars). 2 submissions from 2 submitters: Uncertain significance (2). Last evaluated 2026-09-17.

Conditions:
C3 glomerulonephritis. Also called: C3 GLOMERULOPATHY 3; Nephropathy due to CFHR5 Deficiency. Identifiers: Orphanet 329931, MedGen C4055342, MONDO:0013892, OMIM 614809.
Atypical hemolytic-uremic syndrome. Identifiers: Orphanet 2134, MedGen C2931788, MONDO:0016244.

Allele frequency attached by ClinVar (database versions not stated): gnomAD 0.00001; TOPMed 0.00001; ExAC 0.00002.
gnomAD v4.1: 8 of 1,613,646 alleles (0.0005%); highest among the groups gnomAD compares: Non-Finnish European, 0.00068%; no homozygotes.

Submissions (2):

Genomenon, Inc
Classification: Uncertain significance for C3 glomerulonephritis; Atypical hemolytic-uremic syndrome. Last evaluated: 2026-09-17. Review status: criteria provided, single submitter. Criteria: Genomenon Sequence Variant Interpretation Standards - Updated. Collection method: curation. Allele origin: germline. Affected: yes.
Comment: C3 p.Lys1051Met (c.3152A>T) is a missense variant that changes the amino acid at codon 1051 from Lysine to Methionine. This variant has been observed in at least one proband affected with a C3-related disorder (PMID:26895476;20595690). Functional studies have been reported (PMID:25608561). It is absent or not present at a significant frequency in gnomAD. In conclusion, we classify C3 p.Lys1051Met (c.3152A>T) as a variant of uncertain significance.

Labcorp Genetics (formerly Invitae), Labcorp
Classification: Uncertain significance. Last evaluated: 2022-10-28. Review status: criteria provided, single submitter. Criteria: Invitae Variant Classification Sherloc (09022015). Collection method: clinical testing. Allele origin: germline.
Comment: In summary, the available evidence is currently insufficient to determine the role of this variant in disease. Therefore, it has been classified as a Variant of Uncertain Significance. Experimental studies have shown that this missense change does not substantially affect C3 function (PMID: 25608561). Algorithms developed to predict the effect of missense changes on protein structure and function are either unavailable or do not agree on the potential impact of this missense change (SIFT: "Deleterious"; PolyPhen-2: "Benign"; Align-GVGD: "Class C0"). This variant is also known as K1029M. This missense change has been observed in individual(s) with C3-related conditions (PMID: 20595690). This variant is present in population databases (rs575541524, gnomAD 0.002%). This sequence change replaces lysine, which is basic and polar, with methionine, which is neutral and non-polar, at codon 1051 of the C3 protein (p.Lys1051Met).

Literature cited by the submitters: PubMed 26895476 (cited by Genomenon, Inc); PubMed 20595690 (cited by Genomenon, Inc and Labcorp Genetics (formerly Invitae), Labcorp); PubMed 25608561 (cited by Genomenon, Inc and Labcorp Genetics (formerly Invitae), Labcorp).

NM_000064.4(C3):c.3152A>T (p.Lys1051Met)

Gene: C3 (complement C3; minus strand). Cytogenetic location: 19p13.3.
Variant type: single nucleotide variant.
Coding change: c.3152A>T on transcript NM_000064.4 (MANE Select); coding-DNA position 3152, A replaced by T.
Protein change: p.Lys1051Met; replaces lysine 1051 with methionine.
Molecular consequence: missense variant.
Genome position (GRCh38, 1-based): chr19:6,694,433, T>A on the plus strand (A>T on the coding strand, the complement: C3 is on the minus strand). VCF-style: chr19-6694433-T-A. GRCh37 (hg19) VCF-style: chr19-6694444-T-A.
Other names: short protein forms K1051M.
Identifiers: ClinVar variation 2736764 (VCV002736764.5), dbSNP rs575541524, ClinGen allele CA9128853.